The following is an entry in ClinVar:

ClinVar aggregate classification (germline): Uncertain significance (1 of 4 stars; one submission).

Conditions:
TP63-Related Spectrum Disorders.

Allele frequency attached by ClinVar (database versions not stated): gnomAD 0.00001.
gnomAD v4.1: 6 of 1,613,636 alleles (0.00037%); highest among the groups gnomAD compares: African/African-American, 0.0013%; no homozygotes.

Submission:

Labcorp Genetics (formerly Invitae), Labcorp
Classification: Uncertain significance. Last evaluated: 2023-08-17. Review status: criteria provided, single submitter. Criteria: Invitae Variant Classification Sherloc (09022015). Collection method: clinical testing. Allele origin: germline.
Comment: In summary, the available evidence is currently insufficient to determine the role of this variant in disease. Therefore, it has been classified as a Variant of Uncertain Significance. Advanced modeling of protein sequence and biophysical properties (such as structural, functional, and spatial information, amino acid conservation, physicochemical variation, residue mobility, and thermodynamic stability) has been performed at Invitae for this missense variant, however the output from this modeling did not meet the statistical confidence thresholds required to predict the impact of this variant on TP63 protein function. This variant has not been reported in the literature in individuals affected with TP63-related conditions. This variant is not present in population databases (gnomAD no frequency). This sequence change replaces arginine, which is basic and polar, with histidine, which is basic and polar, at codon 647 of the TP63 protein (p.Arg647His).

NM_003722.5(TP63):c.1940G>A (p.Arg647His)

Gene: TP63 (tumor protein p63; plus strand). Cytogenetic location: 3q28.
Variant type: single nucleotide variant.
Coding change: c.1940G>A on transcript NM_003722.5 (MANE Select); coding-DNA position 1940, G replaced by A.
Protein change: p.Arg647His; replaces arginine 647 with histidine.
Molecular consequence: missense variant. On other transcripts: 3 prime UTR variant (6).
Genome position (GRCh38, 1-based): chr3:189,894,399, G>A. VCF-style: chr3-189894399-G-A. GRCh37 (hg19) VCF-style: chr3-189612188-G-A.
Other names: c.*168G>A (NM_001329145.2, NM_001329149.2, NM_001329150.2 and 1 more transcripts); c.1403G>A, p.Arg468His (NM_001329146.2); c.1928G>A, p.Arg643His (NM_001329148.2); c.1934G>A, p.Arg645His (NM_001329964.2); c.*178G>A (NM_001114978.2, NM_001114981.2); c.1658G>A, p.Arg553His (NM_001114980.2); short protein forms R643H, R647H, R468H, R553H, R645H.
Identifiers: ClinVar variation 2881014 (VCV002881014.2), dbSNP rs774550896, ClinGen allele CA89713326.